The following is an entry in ClinVar:

ClinVar aggregate classification (germline): Uncertain significance (1 of 4 stars; one submission).

Conditions:
Cystic fibrosis (CF). Also called: MUCOVISCIDOSIS. Identifiers: Orphanet 586, MedGen C0010674, MONDO:0009061, OMIM 219700. Disease mechanism: loss of function.

Allele frequency attached by ClinVar (database versions not stated): gnomAD exomes 0.00001.
gnomAD v4.1: 3 of 1,613,508 alleles (0.00019%); highest among the groups gnomAD compares: Non-Finnish European, 0.00025%; no homozygotes.

Submission:

Ambry Genetics
Classification: Uncertain significance for Cystic fibrosis. Last evaluated: 2025-04-14. Review status: criteria provided, single submitter. Criteria: Ambry Variant Classification Scheme 2023. Collection method: clinical testing. Allele origin: germline.
Comment: The p.I1193T variant (also known as c.3578T>C), located in coding exon 22 of the CFTR gene, results from a T to C substitution at nucleotide position 3578. The isoleucine at codon 1193 is replaced by threonine, an amino acid with similar properties. This amino acid position is conserved. In addition, the in silico prediction for this alteration is inconclusive. Since supporting evidence is limited at this time, the clinical significance of this alteration remains unclear.

NM_000492.4(CFTR):c.3578T>C (p.Ile1193Thr)

Genes: CFTR (CF transmembrane conductance regulator; plus strand), CFTR-AS2 (CFTR antisense RNA 2; minus strand). Cytogenetic location: 7q31.2.
Variant type: single nucleotide variant.
Coding change: c.3578T>C on transcript NM_000492.4 (MANE Select); coding-DNA position 3578, T replaced by C.
Protein change: p.Ile1193Thr; replaces isoleucine 1193 with threonine.
Molecular consequence: missense variant.
Genome position (GRCh38, 1-based): chr7:117,627,631, T>C. VCF-style: chr7-117627631-T-C. GRCh37 (hg19) VCF-style: chr7-117267685-T-C.
Other names: short protein forms I1193T.
Identifiers: ClinVar variation 2447408 (VCV002447408.3), dbSNP rs2485146330, ClinGen allele CA368996479.